The following is an entry in ClinVar:

NM_001605.3(AARS1):c.907C>T (p.Arg303Trp)

Gene: AARS1 (alanyl-tRNA synthetase 1; minus strand). Cytogenetic location: 16q22.1.
Variant type: single nucleotide variant.
Coding change: c.907C>T on transcript NM_001605.3 (MANE Select); coding-DNA position 907, C replaced by T.
Protein change: p.Arg303Trp; replaces arginine 303 with tryptophan.
Molecular consequence: missense variant.
Genome position (GRCh38, 1-based): chr16:70,269,673, G>A on the plus strand (C>T on the coding strand, the complement: AARS1 is on the minus strand). VCF-style: chr16-70269673-G-A. GRCh37 (hg19) VCF-style: chr16-70303576-G-A.
Other names: c.907C>T (NM_001605.2); short protein forms R303W.
Identifiers: ClinVar variation 994432 (VCV000994432.18), dbSNP rs1302363015, ClinGen allele CA396564591.

ClinVar aggregate classification (germline): Uncertain significance. Review status: criteria provided, multiple submitters, no conflicts (2 of 4 stars). 3 submissions from 3 submitters: Uncertain significance (3). Last evaluated 2026-04-13.

Conditions:
Charcot-Marie-Tooth disease type 2. Also called: Charcot-Marie-Tooth type 2. Identifiers: Orphanet 64746, MedGen C0270914, MONDO:0018993.

Allele frequency attached by ClinVar (database versions not stated): gnomAD 0.00001; TOPMed 0.00002.
gnomAD v4.1: 41 of 1,614,008 alleles (0.0025%); highest among the groups gnomAD compares: East Asian, 0.0067%; no homozygotes.

Submissions (3):

GeneDx
Classification: Uncertain significance. Last evaluated: 2026-04-13. Review status: criteria provided, single submitter. Criteria: GeneDx Variant Classification Process June 2021. Collection method: clinical testing. Allele origin: germline.
Comment: Not observed at significant frequency in large population cohorts (gnomAD); In silico analysis supports that this missense variant has a deleterious effect on protein structure/function; Has not been previously published as pathogenic or benign to our knowledge; This variant is associated with the following publications: (PMID: 25817015)

Labcorp Genetics (formerly Invitae), Labcorp
Classification: Uncertain significance for Charcot-Marie-Tooth disease type 2. Last evaluated: 2023-12-13. Review status: criteria provided, single submitter. Criteria: Invitae Variant Classification Sherloc (09022015). Collection method: clinical testing. Allele origin: germline.
Comment: This sequence change replaces arginine, which is basic and polar, with tryptophan, which is neutral and slightly polar, at codon 303 of the AARS protein (p.Arg303Trp). This variant is not present in population databases (gnomAD no frequency). This variant has not been reported in the literature in individuals affected with AARS-related conditions. ClinVar contains an entry for this variant (Variation ID: 994432). Advanced modeling of protein sequence and biophysical properties (such as structural, functional, and spatial information, amino acid conservation, physicochemical variation, residue mobility, and thermodynamic stability) performed at Invitae indicates that this missense variant is expected to disrupt AARS protein function with a positive predictive value of 95%. In summary, the available evidence is currently insufficient to determine the role of this variant in disease. Therefore, it has been classified as a Variant of Uncertain Significance.

ARUP Laboratories, Molecular Genetics and Genomics, ARUP Laboratories
Classification: Uncertain significance. Last evaluated: 2019-10-09. Review status: criteria provided, single submitter. Criteria: ARUP Molecular Germline Variant Investigation Process. Collection method: clinical testing. Allele origin: germline.
Comment: The AARS c.907C>T; p.Arg303Trp variant (rs1302363015), to our knowledge, is not reported in the medical literature or gene-specific databases. This variant is also absent from general population databases (Exome Variant Server, Genome Aggregation Database), indicating it is not a common polymorphism. The arginine at codon 303 is highly conserved, and computational analyses (SIFT, PolyPhen-2) predict that this variant is deleterious. However, given the lack of clinical and functional data, the significance of the p.Arg303Trp variant is uncertain at this time.